The following is an entry in ClinVar:

NM_014754.3(PTDSS1):c.910A>T (p.Thr304Ser)

Gene: PTDSS1 (phosphatidylserine synthase 1; plus strand). Cytogenetic location: 8q22.1.
Variant type: single nucleotide variant.
Coding change: c.910A>T on transcript NM_014754.3 (MANE Select); coding-DNA position 910, A replaced by T.
Protein change: p.Thr304Ser; replaces threonine 304 with serine.
Molecular consequence: missense variant.
Genome position (GRCh38, 1-based): chr8:96,306,459, A>T. VCF-style: chr8-96306459-A-T. GRCh37 (hg19) VCF-style: chr8-97318687-A-T.
Other names: c.472A>T, p.Thr158Ser (NM_001290225.2); short protein forms T158S, T304S.
Identifiers: ClinVar variation 3427407 (VCV003427407.3).

ClinVar aggregate classification (germline): Uncertain significance. Review status: criteria provided, multiple submitters, no conflicts (2 of 4 stars). 2 submissions from 2 submitters: Uncertain significance (2). Last evaluated 2025-07-21.

Conditions:
Inborn genetic diseases. Identifiers: MedGen C0950123, MeSH D030342.

gnomAD v4.1: 7 of 1,613,966 alleles (0.00043%); highest among the groups gnomAD compares: Middle Eastern, 0.066%; no homozygotes.

Submissions (2):

Labcorp Genetics (formerly Invitae), Labcorp
Classification: Uncertain significance. Last evaluated: 2025-07-21. Review status: criteria provided, single submitter. Criteria: Invitae Variant Classification Sherloc (09022015). Collection method: clinical testing. Allele origin: germline.
Comment: This sequence change replaces threonine, which is neutral and polar, with serine, which is neutral and polar, at codon 304 of the PTDSS1 protein (p.Thr304Ser). This variant is not present in population databases (gnomAD no frequency). This variant has not been reported in the literature in individuals affected with PTDSS1-related conditions. ClinVar contains an entry for this variant (Variation ID: 3427407). Invitae Evidence Modeling of protein sequence and biophysical properties (such as structural, functional, and spatial information, amino acid conservation, physicochemical variation, residue mobility, and thermodynamic stability) indicates that this missense variant is not expected to disrupt PTDSS1 protein function with a negative predictive value of 80%. In summary, the available evidence is currently insufficient to determine the role of this variant in disease. Therefore, it has been classified as a Variant of Uncertain Significance.

Ambry Genetics
Classification: Uncertain significance for Inborn genetic diseases. Last evaluated: 2024-08-14. Review status: criteria provided, single submitter. Criteria: Ambry Variant Classification Scheme 2023. Collection method: clinical testing. Allele origin: germline.